The following is an entry in ClinVar:

ClinVar aggregate classification (germline): Pathogenic (1 of 4 stars; one submission).

Conditions:
Familial thoracic aortic aneurysm and aortic dissection (TAAD). Also called: Thoracic aortic aneurysms and dissections. Identifiers: Orphanet 91387, MedGen C4707243, MONDO:0019625.
Marfan syndrome (MFS). Also called: FBN1-Related Marfan Syndrome; Marfan syndrome type 1; Marfan's syndrome; Marfan syndrome, classic; MARFAN SYNDROME, TYPE I. Identifiers: Orphanet 284963, Orphanet 558, MedGen C0024796, MONDO:0007947, OMIM 154700.

Submission:

Labcorp Genetics (formerly Invitae), Labcorp
Classification: Pathogenic for Marfan syndrome; Familial thoracic aortic aneurysm and aortic dissection. Last evaluated: 2019-02-08. Review status: criteria provided, single submitter. Criteria: Invitae Variant Classification Sherloc (09022015). Collection method: clinical testing. Allele origin: germline.
Comment: For these reasons, this variant has been classified as Pathogenic. Loss-of-function variants in FBN1 are known to be pathogenic (PMID: 17657824, 19293843). This variant has not been reported in the literature in individuals with FBN1-related disease. However, a different variant creating a stop signal at the same codon (p.Ala42Profs*66) has been reported in an individual affected with classic Marfan syndrome (PMID: 11700157). ClinVar contains an entry for this variant (Variation ID: 568779). This variant is not present in population databases (ExAC no frequency). This sequence change creates a premature translational stop signal (p.Lys43Argfs*65) in the FBN1 gene. It is expected to result in an absent or disrupted protein product.

Literature cited by the submitters: PubMed 17657824; PubMed 19293843; PubMed 11700157.

NM_000138.5(FBN1):c.126del (p.Lys43fs)

Gene: FBN1 (fibrillin 1; minus strand). Cytogenetic location: 15q21.1.
Variant type: Deletion.
Coding change: c.126del on transcript NM_000138.5 (MANE Select); coding-DNA position 126, one base deleted (C; older notation c.126delC).
Protein change: p.Lys43fs; shifts the reading frame from lysine 43.
Molecular consequence: frameshift variant.
Genome position (GRCh38, 1-based): chr15:48,644,644, G deleted on the plus strand (C on the coding strand, the reverse complement: FBN1 is on the minus strand); the first of 2 consecutive G bases (chr15:48,644,644-48,644,645); deleting either gives the same sequence. VCF-style (leftmost placement, unchanged base first): chr15-48644643-TG-T. GRCh37 (hg19) VCF-style: chr15-48936840-TG-T.
Other names: c.126delC (NM_000138.4); short protein forms K43fs.
Identifiers: ClinVar variation 568779 (VCV000568779.8), dbSNP rs1566944839, ClinGen allele CA891843867.